The following is an entry in ClinVar:

NM_000704.3(ATP4A):c.2440G>A (p.Gly814Arg)

Gene: ATP4A (ATPase H+/K+ transporting subunit alpha; minus strand). Cytogenetic location: 19q13.12.
Variant type: single nucleotide variant.
Coding change: c.2440G>A on transcript NM_000704.3 (MANE Select); coding-DNA position 2440, G replaced by A.
Protein change: p.Gly814Arg; replaces glycine 814 with arginine.
Molecular consequence: missense variant.
Genome position (GRCh38, 1-based): chr19:35,554,963, C>T on the plus strand (G>A on the coding strand, the complement: ATP4A is on the minus strand). VCF-style: chr19-35554963-C-T. GRCh37 (hg19) VCF-style: chr19-36045865-C-T.
Other names: short protein forms G814R.
Identifiers: ClinVar variation 4694870 (VCV004694870.1).
Genomic context (GRCh38, chr19:35,554,963, plus strand): 5'-CCCTGGGCTGTGGACTTACAATGTCAGTGCAGAGTTCGATGAAGAGGATGGTGATGCACC[C>T]GAGGGGCAGGGGCACGCTGACGGTGATGTAGATGAGGTAGGGTGTCAGCTCTGGGATGTT-3'
Protein context (NP_000695.2, residues 804-824): YITVSVPLPL[Gly814Arg]CITILFIELC

ClinVar aggregate classification (germline): Uncertain significance (1 of 4 stars; one submission).

gnomAD v4.1: 4 of 1,613,968 alleles (0.00025%); highest among the groups gnomAD compares: East Asian, 0.0022%; no homozygotes.

Submission:

Labcorp Genetics (formerly Invitae), Labcorp
Classification: Uncertain significance. Last evaluated: 2025-05-13. Review status: criteria provided, single submitter. Criteria: Invitae Variant Classification Sherloc (09022015). Collection method: clinical testing. Allele origin: germline.
Comment: This sequence change replaces glycine, which is neutral and non-polar, with arginine, which is basic and polar, at codon 814 of the ATP4A protein (p.Gly814Arg). This variant is present in population databases (rs142843033, gnomAD 0.002%). This variant has not been reported in the literature in individuals affected with ATP4A-related conditions. Invitae Evidence Modeling of protein sequence and biophysical properties (such as structural, functional, and spatial information, amino acid conservation, physicochemical variation, residue mobility, and thermodynamic stability) indicates that this missense variant is expected to disrupt ATP4A protein function with a positive predictive value of 80%. In summary, the available evidence is currently insufficient to determine the role of this variant in disease. Therefore, it has been classified as a Variant of Uncertain Significance.